The following is an entry in ClinVar:

ClinVar aggregate classification (germline): Pathogenic (1 of 4 stars; one submission).

Conditions:
Hereditary spastic paraplegia 75. Also called: Spastic paraplegia 75, autosomal recessive. Identifiers: Orphanet 459056, MedGen C4225250, MONDO:0014729, OMIM 616680.

Submission:

Labcorp Genetics (formerly Invitae), Labcorp
Classification: Pathogenic for Hereditary spastic paraplegia 75. Last evaluated: 2024-10-01. Review status: criteria provided, single submitter. Criteria: Invitae Variant Classification Sherloc (09022015). Collection method: clinical testing. Allele origin: germline.
Comment: This sequence change creates a premature translational stop signal (p.Glu110*) in the MAG gene. It is expected to result in an absent or disrupted protein product. Loss-of-function variants in MAG are known to be pathogenic (PMID: 32629324). This variant is not present in population databases (gnomAD no frequency). This variant has not been reported in the literature in individuals affected with MAG-related conditions. ClinVar contains an entry for this variant (Variation ID: 657878). For these reasons, this variant has been classified as Pathogenic.

Literature cited by the submitters: PubMed 32629324.

NM_002361.4(MAG):c.328G>T (p.Glu110Ter)

Gene: MAG (myelin associated glycoprotein; plus strand). Cytogenetic location: 19q13.12.
Variant type: single nucleotide variant.
Coding change: c.328G>T on transcript NM_002361.4 (MANE Select); coding-DNA position 328, G replaced by T.
Protein change: p.Glu110Ter; replaces glutamic acid 110 with a stop codon.
Molecular consequence: nonsense.
Genome position (GRCh38, 1-based): chr19:35,295,894, G>T. VCF-style: chr19-35295894-G-T. GRCh37 (hg19) VCF-style: chr19-35786797-G-T.
Other names: c.253G>T, p.Glu85Ter (NM_001199216.2); c.328G>T, p.Glu110Ter (NM_080600.3); short protein forms E110*, E85*.
Identifiers: ClinVar variation 657878 (VCV000657878.6), dbSNP rs770788013, ClinGen allele CA405305634.